The following is an entry in ClinVar:

ClinVar aggregate classification (germline): Uncertain significance (1 of 4 stars; one submission).

Allele frequency attached by ClinVar (database versions not stated): gnomAD exomes below 0.00001.
gnomAD v4.1: 3 of 1,603,024 alleles (0.00019%); highest among the groups gnomAD compares: Non-Finnish European, 0.00017%; no homozygotes.

Submission:

Labcorp Genetics (formerly Invitae), Labcorp
Classification: Uncertain significance. Last evaluated: 2025-06-23. Review status: criteria provided, single submitter. Criteria: Invitae Variant Classification Sherloc (09022015). Collection method: clinical testing. Allele origin: germline.
Comment: This sequence change falls in intron 5 of the PNLIP gene. It does not directly change the encoded amino acid sequence of the PNLIP protein. It affects a nucleotide within the consensus splice site. This variant is not present in population databases (gnomAD no frequency). This variant has not been reported in the literature in individuals affected with PNLIP-related conditions. ClinVar contains an entry for this variant (Variation ID: 2130415). Variants that disrupt the consensus splice site are a relatively common cause of aberrant splicing (PMID: 17576681, 9536098). Algorithms developed to predict the effect of sequence changes on RNA splicing suggest that this variant is not likely to affect RNA splicing. In summary, the available evidence is currently insufficient to determine the role of this variant in disease. Therefore, it has been classified as a Variant of Uncertain Significance.

Literature cited by the submitters: PubMed 17576681; PubMed 9536098.

NM_000936.4(PNLIP):c.459+3A>G

Gene: PNLIP (pancreatic lipase; plus strand). Cytogenetic location: 10q25.3.
Variant type: single nucleotide variant.
Coding change: c.459+3A>G on transcript NM_000936.4 (MANE Select); 3 bases into the intron after coding-DNA position 459, A replaced by G.
Molecular consequence: intron variant.
Genome position (GRCh38, 1-based): chr10:116,551,235, A>G. VCF-style: chr10-116551235-A-G. GRCh37 (hg19) VCF-style: chr10-118310747-A-G.
Identifiers: ClinVar variation 2130415 (VCV002130415.4), dbSNP rs766653734, ClinGen allele CA596149933.